The following is an entry in ClinVar:

NM_000059.4(BRCA2):c.931T>G (p.Cys311Gly)

Gene: BRCA2 (BRCA2 DNA repair associated; plus strand). Cytogenetic location: 13q13.1.
Variant type: single nucleotide variant.
Coding change: c.931T>G on transcript NM_000059.4 (MANE Select); coding-DNA position 931, T replaced by G.
Protein change: p.Cys311Gly; replaces cysteine 311 with glycine.
Molecular consequence: missense variant.
Genome position (GRCh38, 1-based): chr13:32,332,409, T>G. VCF-style: chr13-32332409-T-G. GRCh37 (hg19) VCF-style: chr13-32906546-T-G.
Other names: short protein forms C311G.
Identifiers: ClinVar variation 619658 (VCV000619658.17), dbSNP rs61754140, ClinGen allele CA6940477.
Genomic context (GRCh38, chr13:32,332,409, plus strand): 5'-CTAGAAGATGAAGTATATGAAACAGTTGTAGATACCTCTGAAGAAGATAGTTTTTCATTA[T>G]GTTTTTCTAAATGTAGAACAAAAAATCTACAAAAAGTAAGAACTAGCAAGACTAGGAAAA-3'
Protein context (NP_000050.3, residues 301-321): DTSEEDSFSL[Cys311Gly]FSKCRTKNLQ

ClinVar aggregate classification (germline): Conflicting classifications of pathogenicity. Review status: criteria provided, conflicting classifications (1 of 4 stars). 5 submissions from 5 submitters: Uncertain significance (4); Likely benign (1). Last evaluated 2025-03-06.

Conditions:
Hereditary cancer-predisposing syndrome. Also called: Neoplastic Syndromes, Hereditary; Hereditary neoplastic syndrome; Tumor predisposition; Hereditary Cancer Syndrome. Identifiers: Orphanet 140162, MedGen C0027672, MeSH D009386, MONDO:0015356.
Hereditary breast ovarian cancer syndrome. Also called: Hereditary breast and ovarian cancer; Hereditary breast and ovarian cancer syndrome (HBOC); Breast and ovarian cancer; BRCA1- and BRCA2-Associated Hereditary Breast and Ovarian Cancer; Hereditary breast and/or ovarian cancer syndrome; Hereditary breast and ovarian cancer syndrome. Identifiers: Orphanet 145, MedGen C0677776, MeSH D061325, MONDO:0003582. Disease mechanism: loss of function.

Allele frequency attached by ClinVar (database versions not stated): ExAC 0.00001; gnomAD exomes 0.00001.
gnomAD v4.1: 3 of 1,591,910 alleles (0.00019%); highest among the groups gnomAD compares: South Asian, 0.0035%; no homozygotes.

Submissions (5):

Ambry Genetics
Classification: Uncertain significance for Hereditary cancer-predisposing syndrome. Last evaluated: 2025-03-06. Review status: criteria provided, single submitter. Criteria: Ambry Variant Classification Scheme 2023. Collection method: clinical testing. Allele origin: germline.
Comment: The p.C311G variant (also known as c.931T>G), located in coding exon 9 of the BRCA2 gene, results from a T to G substitution at nucleotide position 931. The cysteine at codon 311 is replaced by glycine, an amino acid with highly dissimilar properties. This amino acid position is not well conserved in available vertebrate species. In addition, this alteration is predicted to be tolerated by in silico analysis. Based on the available evidence, the clinical significance of this variant remains unclear.

Color Diagnostics, LLC DBA Color Health
Classification: Uncertain significance for Hereditary cancer-predisposing syndrome. Last evaluated: 2023-12-05. Review status: criteria provided, single submitter. Criteria: ACMG Guidelines, 2015. Collection method: clinical testing. Allele origin: germline.
Comment: This missense variant replaces cysteine with glycine at codon 311 of the BRCA2 protein. Computational prediction suggests that this variant may not impact protein structure and function (internally defined REVEL score threshold <= 0.5, PMID: 27666373). To our knowledge, functional studies have not been reported for this variant. This variant has not been reported in individuals affected with BRCA2-related disorders in the literature. This variant has been identified in 2/233734 chromosomes in the general population by the Genome Aggregation Database (gnomAD). The available evidence is insufficient to determine the role of this variant in disease conclusively. Therefore, this variant is classified as a Variant of Uncertain Significance.

Labcorp Genetics (formerly Invitae), Labcorp
Classification: Uncertain significance for Hereditary breast ovarian cancer syndrome. Last evaluated: 2023-11-29. Review status: criteria provided, single submitter. Criteria: Invitae Variant Classification Sherloc (09022015). Collection method: clinical testing. Allele origin: germline.
Comment: This sequence change replaces cysteine, which is neutral and slightly polar, with glycine, which is neutral and non-polar, at codon 311 of the BRCA2 protein (p.Cys311Gly). This variant is present in population databases (rs61754140, gnomAD 0.008%). This variant has not been reported in the literature in individuals affected with BRCA2-related conditions. ClinVar contains an entry for this variant (Variation ID: 619658). Advanced modeling of protein sequence and biophysical properties (such as structural, functional, and spatial information, amino acid conservation, physicochemical variation, residue mobility, and thermodynamic stability) performed at Invitae indicates that this missense variant is not expected to disrupt BRCA2 protein function with a negative predictive value of 95%. In summary, the available evidence is currently insufficient to determine the role of this variant in disease. Therefore, it has been classified as a Variant of Uncertain Significance.

University of Washington Department of Laboratory Medicine, University of Washington
Classification: Likely benign for Hereditary cancer-predisposing syndrome. Last evaluated: 2023-03-23. Review status: criteria provided, single submitter. Criteria: Dines et al. (Genet Med. 2020). Collection method: curation. Allele origin: germline.
Comment: Missense variant in a coldspot region where missense variants are very unlikely to be pathogenic (PMID:31911673).

BRCA2 exon 10 coldspot. Reclassification based on statistical prior probability.

Quest Diagnostics Nichols Institute San Juan Capistrano
Classification: Uncertain significance. Last evaluated: 2019-05-09. Review status: criteria provided, single submitter. Criteria: Quest Diagnostics criteria. Collection method: clinical testing. Allele origin: germline.